The following is an entry in ClinVar:

NM_198576.4(AGRN):c.2404G>A (p.Gly802Ser)

Gene: AGRN (agrin; plus strand). Cytogenetic location: 1p36.33.
Variant type: single nucleotide variant.
Coding change: c.2404G>A on transcript NM_198576.4 (MANE Select); coding-DNA position 2404, G replaced by A.
Protein change: p.Gly802Ser; replaces glycine 802 with serine.
Molecular consequence: missense variant.
Genome position (GRCh38, 1-based): chr1:1,045,391, G>A. VCF-style: chr1-1045391-G-A. GRCh37 (hg19) VCF-style: chr1-980771-G-A.
Other names: c.2404G>A, p.Gly802Ser (NM_001305275.2); c.2089G>A, p.Gly697Ser (NM_001364727.2); short protein forms G697S, G802S.
Identifiers: ClinVar variation 954261 (VCV000954261.31), dbSNP rs762481817, ClinGen allele CA508628.

ClinVar aggregate classification (germline): Conflicting classifications of pathogenicity. Review status: criteria provided, conflicting classifications (1 of 4 stars). 4 submissions from 4 submitters: Uncertain significance (3); Likely benign (1). Last evaluated 2025-04-23.

Conditions:
Congenital myasthenic syndrome 8. Also called: MYASTHENIC SYNDROME, CONGENITAL, DUE TO AGRIN DEFICIENCY; Myasthenic syndrome, congenital, 8, with pre- and postsynaptic defects. Identifiers: Orphanet 590, MedGen C3808739, MONDO:0014052, OMIM 615120.
Inborn genetic diseases. Identifiers: MedGen C0950123, MeSH D030342.

Allele frequency attached by ClinVar (database versions not stated): gnomAD 0.00002; TOPMed 0.00002; gnomAD exomes 0.00004 and 0.00005; ExAC 0.00005.
gnomAD v4.1: 62 of 1,610,688 alleles (0.0038%); highest among the groups gnomAD compares: Middle Eastern, 0.016%; no homozygotes.

Submissions (4):

Revvity Omics, Revvity
Classification: Uncertain significance for Congenital myasthenic syndrome 8. Last evaluated: 2025-04-23. Review status: criteria provided, single submitter. Criteria: ACMG Guidelines, 2015. Collection method: clinical testing. Allele origin: germline.

CeGaT Center for Human Genetics Tuebingen
Classification: Uncertain significance. Last evaluated: 2023-11-01. Review status: criteria provided, single submitter. Criteria: CeGaT Center For Human Genetics Tuebingen Variant Classification Criteria Version 2. Collection method: clinical testing. Allele origin: germline. Affected: yes. Observed: 1 variant allele.
Comment: AGRN: PM2, BP4

Ambry Genetics
Classification: Likely benign for Inborn genetic diseases. Last evaluated: 2023-10-17. Review status: criteria provided, single submitter. Criteria: Ambry Variant Classification Scheme 2023. Collection method: clinical testing. Allele origin: germline.

Labcorp Genetics (formerly Invitae), Labcorp
Classification: Uncertain significance for Congenital myasthenic syndrome 8. Last evaluated: 2022-08-09. Review status: criteria provided, single submitter. Criteria: Invitae Variant Classification Sherloc (09022015). Collection method: clinical testing. Allele origin: germline.
Comment: This sequence change replaces glycine, which is neutral and non-polar, with serine, which is neutral and polar, at codon 802 of the AGRN protein (p.Gly802Ser). This variant is present in population databases (rs762481817, gnomAD 0.01%). This variant has not been reported in the literature in individuals affected with AGRN-related conditions. ClinVar contains an entry for this variant (Variation ID: 954261). Algorithms developed to predict the effect of missense changes on protein structure and function output the following: SIFT: "Tolerated"; PolyPhen-2: "Probably Damaging"; Align-GVGD: "Class C0". The serine amino acid residue is found in multiple mammalian species, which suggests that this missense change does not adversely affect protein function. Algorithms developed to predict the effect of sequence changes on RNA splicing suggest that this variant may create or strengthen a splice site. In summary, the available evidence is currently insufficient to determine the role of this variant in disease. Therefore, it has been classified as a Variant of Uncertain Significance.